The following is an entry in ClinVar:

NM_002470.4(MYH3):c.1200G>T (p.Leu400Phe)

Gene: MYH3 (myosin heavy chain 3; minus strand). Cytogenetic location: 17p13.1.
Variant type: single nucleotide variant.
Coding change: c.1200G>T on transcript NM_002470.4 (MANE Select); coding-DNA position 1200, G replaced by T.
Protein change: p.Leu400Phe; replaces leucine 400 with phenylalanine.
Molecular consequence: missense variant.
Genome position (GRCh38, 1-based): chr17:10,644,644, C>A on the plus strand (G>T on the coding strand, the complement: MYH3 is on the minus strand). VCF-style: chr17-10644644-C-A. GRCh37 (hg19) VCF-style: chr17-10547961-C-A.
Other names: short protein forms L400F.
Identifiers: ClinVar variation 1461293 (VCV001461293.6), dbSNP rs2074303729, ClinGen allele CA398175616.
Genomic context (GRCh38, chr17:10,644,644, plus strand): 5'-CTGATCCACAGTTTGACCTTTGGTAACGTACTCATTCCCAACTTTCACTCTAGGAAAGCA[C>A]AAAGCTTTTAGGAGGTCCGAAGAGTTCAGGCCCATCAGATAGGCTGTTTTGTCAGCCACT-3'
Protein context (NP_002461.2, residues 390-410): GLNSSDLLKA[Leu400Phe]CFPRVKVGNE

ClinVar aggregate classification (germline): Uncertain significance (1 of 4 stars; one submission).

Allele frequency attached by ClinVar (database versions not stated): gnomAD exomes below 0.00001.
gnomAD v4.1: 1 of 1,614,102 alleles (0.000062%); highest among the groups gnomAD compares: Non-Finnish European, 0.000085%; no homozygotes.

Submission:

Labcorp Genetics (formerly Invitae), Labcorp
Classification: Uncertain significance. Last evaluated: 2022-07-06. Review status: criteria provided, single submitter. Criteria: Invitae Variant Classification Sherloc (09022015). Collection method: clinical testing. Allele origin: germline.
Comment: Advanced modeling of protein sequence and biophysical properties (such as structural, functional, and spatial information, amino acid conservation, physicochemical variation, residue mobility, and thermodynamic stability) performed at Invitae indicates that this missense variant is expected to disrupt MYH3 protein function. ClinVar contains an entry for this variant (Variation ID: 1461293). This variant has not been reported in the literature in individuals affected with MYH3-related conditions. This variant is not present in population databases (gnomAD no frequency). This sequence change replaces leucine, which is neutral and non-polar, with phenylalanine, which is neutral and non-polar, at codon 400 of the MYH3 protein (p.Leu400Phe). In summary, the available evidence is currently insufficient to determine the role of this variant in disease. Therefore, it has been classified as a Variant of Uncertain Significance.